The following is an entry in ClinVar:

ClinVar aggregate classification (germline): Conflicting classifications of pathogenicity. Review status: criteria provided, conflicting classifications (1 of 4 stars). 6 submissions from 6 submitters: Uncertain significance (5); Likely benign (1). Last evaluated 2025-04-09.

Conditions:
Cardiovascular phenotype. Identifiers: MedGen CN230736.
Primary familial hypertrophic cardiomyopathy (HCM). Identifiers: Orphanet 99739, MedGen C0949658, MeSH D024741, MONDO:0024573. Inheritance: Various modes of inheritance.
Dilated cardiomyopathy 1AA (CMD1AA). Also called: CARDIOMYOPATHY, DILATED, 1AA, WITH OR WITHOUT LEFT VENTRICULAR NONCOMPACTION; CARDIOMYOPATHY, FAMILIAL HYPERTROPHIC, 23, WITH OR WITHOUT LEFT VENTRICULAR NONCOMPACTION; Cardiomyopathy, dilated, 1AA, with or without LVNC. Identifiers: Orphanet 154, MedGen C2677338, MONDO:0012808, OMIM 612158.

Allele frequency attached by ClinVar (database versions not stated): gnomAD exomes 0.00001 and 0.00002; ExAC 0.00002; gnomAD 0.00002; TOPMed 0.00002; ESP Exome Variant Server 0.00008.
gnomAD v4.1: 19 of 1,614,046 alleles (0.0012%); highest among the groups gnomAD compares: Non-Finnish European, 0.0015%; no homozygotes.

Submissions (6):

Molecular Diagnostic Laboratory for Inherited Cardiovascular Disease, Montreal Heart Institute
Classification: Uncertain significance for Cardiovascular phenotype. Last evaluated: 2025-04-09. Review status: criteria provided, single submitter. Criteria: ACMG Guidelines, 2015. Collection method: clinical testing. Allele origin: germline. Affected: yes.
Comment: PM2;BP5

Women's Health and Genetics/Laboratory Corporation of America, LabCorp
Classification: Uncertain significance. Last evaluated: 2024-11-10. Review status: criteria provided, single submitter. Criteria: LabCorp Variant Classification Summary - May 2015. Collection method: clinical testing. Allele origin: germline.

Blueprint Genetics
Classification: Likely benign. Last evaluated: 2023-10-20. Review status: criteria provided, single submitter. Criteria: ACMG Guidelines, 2015. Collection method: clinical testing. Allele origin: germline.

Ambry Genetics
Classification: Uncertain significance for Cardiovascular phenotype. Last evaluated: 2022-08-10. Review status: criteria provided, single submitter. Criteria: Ambry Variant Classification Scheme 2023. Collection method: clinical testing. Allele origin: germline.
Comment: The c.1108-3C>T intronic variant results from a C to T substitution 3 nucleotides upstream from coding exon 11 in the ACTN2 gene. This nucleotide position is well conserved in available vertebrate species. In silico splice site analysis predicts that this alteration will not have any significant effect on splicing. Since supporting evidence is limited at this time, the clinical significance of this alteration remains unclear.

Labcorp Genetics (formerly Invitae), Labcorp
Classification: Uncertain significance for Primary familial hypertrophic cardiomyopathy; Dilated cardiomyopathy 1AA. Last evaluated: 2019-03-13. Review status: criteria provided, single submitter. Criteria: Invitae Variant Classification Sherloc (09022015). Collection method: clinical testing. Allele origin: germline.
Comment: This sequence change falls in intron 10 of the ACTN2 gene. It does not directly change the encoded amino acid sequence of the ACTN2 protein, but it affects a nucleotide within the consensus splice site of the intron. This variant is present in population databases (rs372488913, ExAC 0.004%). This variant has not been reported in the literature in individuals with ACTN2-related conditions. ClinVar contains an entry for this variant (Variation ID: 179008). Nucleotide substitutions within the consensus splice site are a relatively common cause of aberrant splicing (PMID: 17576681, 9536098). Algorithms developed to predict the effect of sequence changes on RNA splicing suggest that this variant is not likely to affect RNA splicing, but this prediction has not been confirmed by published transcriptional studies. In summary, the available evidence is currently insufficient to determine the role of this variant in disease. Therefore, it has been classified as a Variant of Uncertain Significance.

Laboratory for Molecular Medicine, Mass General Brigham Personalized Medicine
Classification: Uncertain significance. Last evaluated: 2014-09-08. Review status: criteria provided, single submitter. Criteria: LMM Criteria. Collection method: clinical testing. Allele origin: germline. Observed: 1 variant allele.

Literature cited by the submitters: PubMed 17576681 (cited by Labcorp Genetics (formerly Invitae), Labcorp); PubMed 9536098 (cited by Labcorp Genetics (formerly Invitae), Labcorp).

NM_001103.4(ACTN2):c.1108-3C>T

Gene: ACTN2 (actinin alpha 2; plus strand). Cytogenetic location: 1q43.
Variant type: single nucleotide variant.
Coding change: c.1108-3C>T on transcript NM_001103.4 (MANE Select); 3 bases into the intron before coding-DNA position 1108, C replaced by T.
Molecular consequence: intron variant.
Genome position (GRCh38, 1-based): chr1:236,742,893, C>T. VCF-style: chr1-236742893-C-T. GRCh37 (hg19) VCF-style: chr1-236906193-C-T.
Other names: c.484-3C>T (NM_001278344.2); c.1108-3C>T (NM_001278343.2).
Identifiers: ClinVar variation 179008 (VCV000179008.14), dbSNP rs372488913, ClinGen allele CA183489.